The following is an entry in ClinVar:

ClinVar aggregate classification (germline): Uncertain significance (1 of 4 stars; one submission).

Conditions:
Inborn genetic diseases. Identifiers: MedGen C0950123, MeSH D030342.

Submission:

Ambry Genetics
Classification: Uncertain significance for Inborn genetic diseases. Last evaluated: 2022-12-15. Review status: criteria provided, single submitter. Criteria: Ambry Variant Classification Scheme 2023. Collection method: clinical testing. Allele origin: germline.
Comment: The p.H1972Y variant (also known as c.5914C>T), located in coding exon 40 of the LRRK2 gene, results from a C to T substitution at nucleotide position 5914. The histidine at codon 1972 is replaced by tyrosine, an amino acid with similar properties. This amino acid position is conserved. In addition, the in silico prediction for this alteration is inconclusive. Since supporting evidence is limited at this time, the clinical significance of this alteration remains unclear.

NM_198578.4(LRRK2):c.5914C>T (p.His1972Tyr)

Gene: LRRK2 (leucine rich repeat kinase 2; plus strand). Cytogenetic location: 12q12.
Variant type: single nucleotide variant.
Coding change: c.5914C>T on transcript NM_198578.4 (MANE Select); coding-DNA position 5914, C replaced by T.
Protein change: p.His1972Tyr; replaces histidine 1972 with tyrosine.
Molecular consequence: missense variant.
Genome position (GRCh38, 1-based): chr12:40,335,123, C>T. VCF-style: chr12-40335123-C-T. GRCh37 (hg19) VCF-style: chr12-40728925-C-T.
Other names: short protein forms H1972Y.
Identifiers: ClinVar variation 2453047 (VCV002453047.2), dbSNP rs2499930886, ClinGen allele CA384402386.